The following is an entry in ClinVar:

NM_025114.4(CEP290):c.6797G>A (p.Trp2266Ter)

Gene: CEP290 (centrosomal protein 290; minus strand). Cytogenetic location: 12q21.32.
Variant type: single nucleotide variant.
Coding change: c.6797G>A on transcript NM_025114.4 (MANE Select); coding-DNA position 6797, G replaced by A.
Protein change: p.Trp2266Ter; replaces tryptophan 2266 with a stop codon.
Molecular consequence: nonsense.
Genome position (GRCh38, 1-based): chr12:88,058,869, C>T on the plus strand (G>A on the coding strand, the complement: CEP290 is on the minus strand). VCF-style: chr12-88058869-C-T. GRCh37 (hg19) VCF-style: chr12-88452646-C-T.
Other names: short protein forms W2266*.
Identifiers: ClinVar variation 871058 (VCV000871058.47), dbSNP rs2034232539, ClinGen allele CA385977236.
Genomic context (GRCh38, chr12:88,058,869, plus strand): 5'-ATGATTAAACTTTGTACAAGTTTAAAACTCTGTTCCTACCTTGTAACCACAATGGATTTC[C>T]AGCTCTTACTGTCAGCACCTTCAAGCTGTGGACCTCTGCTTTCTGCAAACTGCAATCTCT-3'

ClinVar aggregate classification (germline): Pathogenic/Likely pathogenic. Review status: criteria provided, multiple submitters, no conflicts (2 of 4 stars). 5 submissions from 5 submitters: Pathogenic (4); Likely pathogenic (1). Last evaluated 2025-07-15.

Conditions:
Bardet-Biedl syndrome 14 (BBS14). Identifiers: Orphanet 110, MedGen C2673874, MONDO:0014442, OMIM 615991.
Nephronophthisis. Also called: Juvenile Nephronophthisis. Identifiers: Orphanet 655, MedGen C0687120, MONDO:0019005, HP:0000090.
Joubert syndrome. Also called: Familial aplasia of the vermis; JOUBERT-BOLTSHAUSER SYNDROME. Identifiers: Orphanet 475, MedGen C5979921, MONDO:0018772.
Meckel-Gruber syndrome. Also called: Dysencephalia splachnocystica; DYSENCEPHALIA SPLANCHNOCYSTICA; GRUBER SYNDROME. Identifiers: Orphanet 564, MedGen C0265215, MONDO:0018921.
CEP290-related ciliopathy. Also called: CEP290 ciliopathy. Identifiers: MedGen CN305601, MONDO:0100451.
Leber congenital amaurosis 10 (LCA10). Identifiers: Orphanet 65, MedGen C1857821, MONDO:0012723, OMIM 611755.
Meckel syndrome, type 4 (MKS4). Also called: MECKEL-GRUBER SYNDROME, TYPE 4. Identifiers: Orphanet 564, MedGen C1970161, MONDO:0012626, OMIM 611134.
Joubert syndrome 5 (JBTS5). Identifiers: Orphanet 2318, MedGen C1857780, MONDO:0012432, OMIM 610188.
Senior-Loken syndrome 6 (SLSN6). Identifiers: Orphanet 3156, MedGen C1857779, MONDO:0012433, OMIM 610189.

Allele frequency attached by ClinVar (database versions not stated): gnomAD exomes below 0.00001.

Submissions (5):

Myriad Genetics, Inc.
Classification: Pathogenic for CEP290-related ciliopathy. Last evaluated: 2025-07-15. Review status: criteria provided, single submitter. Criteria: Myriad Autosomal Dominant, Autosomal Recessive and X-Linked Classification Criteria (2023). Collection method: clinical testing. Allele origin: unknown.
Comment: NM_025114.3(CEP290):c.6797G>A(W2266*) is expected to be pathogenic in the context of CEP290-related disorders. This variant is predicted to lead to an abnormal or absent protein product due to the creation of a premature termination codon in CEP290, a gene where loss-of-function variants are known to be pathogenic. Please note: this variant was assessed in the context of healthy population screening.

Fulgent Genetics
Classification: Pathogenic for Joubert syndrome 5; Senior-Loken syndrome 6; Meckel syndrome, type 4; Leber congenital amaurosis 10; Bardet-Biedl syndrome 14. Last evaluated: 2024-04-26. Review status: criteria provided, single submitter. Criteria: ACMG Guidelines, 2015. Collection method: clinical testing. Allele origin: germline.

Baylor Genetics
Classification: Likely pathogenic for Bardet-Biedl syndrome 14. Last evaluated: 2024-02-26. Review status: criteria provided, single submitter. Criteria: ACMG Guidelines, 2015. Collection method: clinical testing. Allele origin: unknown.

Labcorp Genetics (formerly Invitae), Labcorp
Classification: Pathogenic for Joubert syndrome; Meckel-Gruber syndrome; Nephronophthisis. Last evaluated: 2023-06-20. Review status: criteria provided, single submitter. Criteria: Invitae Variant Classification Sherloc (09022015). Collection method: clinical testing. Allele origin: germline.
Comment: For these reasons, this variant has been classified as Pathogenic. Algorithms developed to predict the effect of sequence changes on RNA splicing suggest that this variant may disrupt the consensus splice site. ClinVar contains an entry for this variant (Variation ID: 871058). This premature translational stop signal has been observed in individual(s) with CEP290-related conditions (PMID: 33970760). This variant is not present in population databases (gnomAD no frequency). This sequence change creates a premature translational stop signal (p.Trp2266*) in the CEP290 gene. It is expected to result in an absent or disrupted protein product. Loss-of-function variants in CEP290 are known to be pathogenic (PMID: 16909394, 17345604, 20690115).

CeGaT Center for Human Genetics Tuebingen
Classification: Pathogenic. Last evaluated: 2018-11-01. Review status: criteria provided, single submitter. Criteria: CeGaT Center For Human Genetics Tuebingen Variant Classification Criteria Version 2. Collection method: clinical testing. Allele origin: germline. Affected: yes. Observed: 2 variant alleles.

Literature cited by the submitters: PubMed 33970760 (cited by Labcorp Genetics (formerly Invitae), Labcorp); PubMed 16909394 (cited by Labcorp Genetics (formerly Invitae), Labcorp); PubMed 17345604 (cited by Labcorp Genetics (formerly Invitae), Labcorp); PubMed 20690115 (cited by Labcorp Genetics (formerly Invitae), Labcorp).